The following is an entry in ClinVar:

NM_022455.5(NSD1):c.3071C>G (p.Ser1024Ter)

Gene: NSD1 (nuclear receptor binding SET domain protein 1; plus strand). Cytogenetic location: 5q35.3.
Variant type: single nucleotide variant.
Coding change: c.3071C>G on transcript NM_022455.5 (MANE Select); coding-DNA position 3071, C replaced by G.
Protein change: p.Ser1024Ter; replaces serine 1024 with a stop codon.
Molecular consequence: nonsense.
Genome position (GRCh38, 1-based): chr5:177,211,470, C>G. VCF-style: chr5-177211470-C-G. GRCh37 (hg19) VCF-style: chr5-176638471-C-G.
Other names: c.2198C>G, p.Ser733Ter (NM_001365684.2, NM_001409306.1, NM_001409307.1 and 3 more transcripts); c.3071C>G, p.Ser1024Ter (NM_001409301.1, NM_001409302.1, NM_001409303.1); c.2651C>G, p.Ser884Ter (NM_001409304.1); c.2318C>G, p.Ser773Ter (NM_001409305.1); short protein forms S733*, S884*, S1024*, S773*.
Identifiers: ClinVar variation 3720666 (VCV003720666.2).

ClinVar aggregate classification (germline): Pathogenic (1 of 4 stars; one submission).

Submission:

Labcorp Genetics (formerly Invitae), Labcorp
Classification: Pathogenic. Last evaluated: 2023-07-26. Review status: criteria provided, single submitter. Criteria: Invitae Variant Classification Sherloc (09022015). Collection method: clinical testing. Allele origin: germline.
Comment: For these reasons, this variant has been classified as Pathogenic. This premature translational stop signal has been observed in individual(s) with clinical features of Sotos syndrome (PMID: 15942875). This variant is not present in population databases (gnomAD no frequency). This sequence change creates a premature translational stop signal (p.Ser1024*) in the NSD1 gene. It is expected to result in an absent or disrupted protein product. Loss-of-function variants in NSD1 are known to be pathogenic (PMID: 12464997, 14571271, 15942875, 16247291).

Literature cited by the submitters: PubMed 15942875; PubMed 12464997; PubMed 14571271; PubMed 16247291.